The following is an entry in ClinVar:

NM_002292.4(LAMB2):c.3330C>G (p.Phe1110Leu)

Gene: LAMB2 (laminin subunit beta 2; minus strand). Cytogenetic location: 3p21.31.
Variant type: single nucleotide variant.
Coding change: c.3330C>G on transcript NM_002292.4 (MANE Select); coding-DNA position 3330, C replaced by G.
Protein change: p.Phe1110Leu; replaces phenylalanine 1110 with leucine.
Molecular consequence: missense variant.
Genome position (GRCh38, 1-based): chr3:49,124,284, G>C on the plus strand (C>G on the coding strand, the complement: LAMB2 is on the minus strand). VCF-style: chr3-49124284-G-C. GRCh37 (hg19) VCF-style: chr3-49161717-G-C.
Other names: c.3330C>G (NM_002292.3); short protein forms F1110L.
Identifiers: ClinVar variation 1423903 (VCV001423903.8), dbSNP rs145578707, ClinGen allele CA2394067.

ClinVar aggregate classification (germline): Uncertain significance. Review status: criteria provided, multiple submitters, no conflicts (2 of 4 stars). 3 submissions from 3 submitters: Uncertain significance (3). Last evaluated 2025-10-15.

Conditions:
Inborn genetic diseases. Identifiers: MedGen C0950123, MeSH D030342.
Pierson syndrome. Also called: MICROCORIA-CONGENITAL NEPHROTIC SYNDROME. Identifiers: Orphanet 2670, MedGen C1836876, MONDO:0012184, OMIM 609049.
LAMB2-related infantile-onset nephrotic syndrome. Also called: Nephrotic Syndrome, type 5; NEPHROTIC SYNDROME, TYPE 5, WITHOUT OCULAR ABNORMALITIES; NEPHROTIC SYNDROME, TYPE 5, WITH OCULAR ABNORMALITIES. Identifiers: Orphanet 306507, MedGen C3280113, MONDO:0013621, OMIM 614199.

Allele frequency attached by ClinVar (database versions not stated): gnomAD exomes below 0.00001; ExAC 0.00002; gnomAD 0.00003; TOPMed 0.00003; ESP Exome Variant Server 0.00008.
gnomAD v4.1: 6 of 1,613,884 alleles (0.00037%); highest among the groups gnomAD compares: African/African-American, 0.008%; no homozygotes.

Submissions (3):

Ambry Genetics
Classification: Uncertain significance for Inborn genetic diseases. Last evaluated: 2025-10-15. Review status: criteria provided, single submitter. Criteria: Ambry Variant Classification Scheme 2023. Collection method: clinical testing. Allele origin: germline.

Fulgent Genetics
Classification: Uncertain significance for Pierson syndrome; LAMB2-related infantile-onset nephrotic syndrome. Last evaluated: 2024-05-02. Review status: criteria provided, single submitter. Criteria: ACMG Guidelines, 2015. Collection method: clinical testing. Allele origin: germline.

Labcorp Genetics (formerly Invitae), Labcorp
Classification: Uncertain significance for LAMB2-related infantile-onset nephrotic syndrome; Pierson syndrome. Last evaluated: 2021-11-05. Review status: criteria provided, single submitter. Criteria: Invitae Variant Classification Sherloc (09022015). Collection method: clinical testing. Allele origin: germline.
Comment: In summary, the available evidence is currently insufficient to determine the role of this variant in disease. Therefore, it has been classified as a Variant of Uncertain Significance. Algorithms developed to predict the effect of missense changes on protein structure and function are either unavailable or do not agree on the potential impact of this missense change (SIFT: "Deleterious"; PolyPhen-2: "Probably Damaging"; Align-GVGD: "Class C15"). This variant has not been reported in the literature in individuals affected with LAMB2-related conditions. This variant is present in population databases (rs145578707, gnomAD 0.008%). This sequence change replaces phenylalanine, which is neutral and non-polar, with leucine, which is neutral and non-polar, at codon 1110 of the LAMB2 protein (p.Phe1110Leu).